The following is an entry in ClinVar:

ClinVar aggregate classification (germline): Likely benign (1 of 4 stars; one submission).

Allele frequency attached by ClinVar (database versions not stated): ExAC 0.00002; TOPMed 0.00002.
gnomAD v4.1: 26 of 1,613,934 alleles (0.0016%); highest among the groups gnomAD compares: South Asian, 0.0066%; 1 homozygote.

Submission:

CeGaT Center for Human Genetics Tuebingen
Classification: Likely benign. Last evaluated: 2022-12-01. Review status: criteria provided, single submitter. Criteria: CeGaT Center For Human Genetics Tuebingen Variant Classification Criteria Version 2. Collection method: clinical testing. Allele origin: germline. Affected: yes. Observed: 1 variant allele.
Comment: CP: BP4, BP7

NM_000096.4(CP):c.1947C>T (p.Ala649=)

Gene: CP (ceruloplasmin; minus strand). Cytogenetic location: 3q24.
Variant type: single nucleotide variant.
Coding change: c.1947C>T on transcript NM_000096.4 (MANE Select); coding-DNA position 1947, C replaced by T.
Protein change: p.Ala649=; no amino-acid change (alanine 649 retained).
Molecular consequence: synonymous variant.
Genome position (GRCh38, 1-based): chr3:149,186,650, G>A on the plus strand (C>T on the coding strand, the complement: CP is on the minus strand). VCF-style: chr3-149186650-G-A. GRCh37 (hg19) VCF-style: chr3-148904437-G-A.
Identifiers: ClinVar variation 1879595 (VCV001879595.29), dbSNP rs749108953, ClinGen allele CA2660875.
Genomic context (GRCh38, chr3:149,186,650, plus strand): 5'-TCCTCTCCACAGATATGTGTTTCCTGAAAAGTATATTCCATGTACATCGGCCTCATTTCC[G>A]GCGCTGAATAAGTACCACACGACCGAATCTCCTTTGCACATAGTGAGACCCGGCTGATTC-3'
Protein context (NP_000087.2, residues 639-659): GDSVVWYLFS[Ala649=]GNEADVHGIY